The following is an entry in ClinVar:

NM_018699.4(PRDM5):c.1691A>G (p.Lys564Arg)

Gene: PRDM5 (PR/SET domain 5; minus strand). Cytogenetic location: 4q27.
Variant type: single nucleotide variant.
Coding change: c.1691A>G on transcript NM_018699.4 (MANE Select); coding-DNA position 1691, A replaced by G.
Protein change: p.Lys564Arg; replaces lysine 564 with arginine.
Molecular consequence: missense variant. On other transcripts: 3 prime UTR variant (1), intron variant (1).
Genome position (GRCh38, 1-based): chr4:120,710,346, T>C on the plus strand (A>G on the coding strand, the complement: PRDM5 is on the minus strand). VCF-style: chr4-120710346-T-C. GRCh37 (hg19) VCF-style: chr4-121631501-T-C.
Other names: c.1598A>G, p.Lys533Arg (NM_001300823.2); c.*6A>G (NM_001300824.2); c.1724A>G, p.Lys575Arg (NM_001379104.1); c.1531-15071A>G (NM_001379106.1); short protein forms K564R, K533R, K575R.
Identifiers: ClinVar variation 3424732 (VCV003424732.1).

ClinVar aggregate classification (germline): Uncertain significance (1 of 4 stars; one submission).

Conditions:
Cardiovascular phenotype. Identifiers: MedGen CN230736.

gnomAD v4.1: 4 of 1,614,104 alleles (0.00025%); highest among the groups gnomAD compares: Non-Finnish European, 0.00025%; no homozygotes.

Submission:

Ambry Genetics
Classification: Uncertain significance for Cardiovascular phenotype. Last evaluated: 2024-11-10. Review status: criteria provided, single submitter. Criteria: Ambry Variant Classification Scheme 2023. Collection method: clinical testing. Allele origin: germline.
Comment: The p.K564R variant (also known as c.1691A>G), located in coding exon 15 of the PRDM5 gene, results from an A to G substitution at nucleotide position 1691. The lysine at codon 564 is replaced by arginine, an amino acid with highly similar properties. This amino acid position is conserved. In addition, this alteration is predicted to be tolerated by in silico analysis. Based on the available evidence, the clinical significance of this variant remains unclear.